The following is an entry in ClinVar:

ClinVar aggregate classification (germline): Uncertain significance (1 of 4 stars; one submission).

Allele frequency attached by ClinVar (database versions not stated): gnomAD exomes below 0.00001.
gnomAD v4.1: 2 of 1,554,696 alleles (0.00013%); highest among the groups gnomAD compares: Non-Finnish European, 0.000087%; no homozygotes.

Submission:

Labcorp Genetics (formerly Invitae), Labcorp
Classification: Uncertain significance. Last evaluated: 2021-12-15. Review status: criteria provided, single submitter. Criteria: Invitae Variant Classification Sherloc (09022015). Collection method: clinical testing. Allele origin: germline.
Comment: This sequence change replaces proline, which is neutral and non-polar, with leucine, which is neutral and non-polar, at codon 892 of the COL2A1 protein (p.Pro892Leu). The frequency data for this variant in the population databases is considered unreliable, as metrics indicate poor data quality at this position in the gnomAD database. This variant has not been reported in the literature in individuals affected with COL2A1-related conditions. Advanced modeling of protein sequence and biophysical properties (such as structural, functional, and spatial information, amino acid conservation, physicochemical variation, residue mobility, and thermodynamic stability) performed at Invitae indicates that this missense variant is not expected to disrupt COL2A1 protein function. In summary, the available evidence is currently insufficient to determine the role of this variant in disease. Therefore, it has been classified as a Variant of Uncertain Significance.

NM_001844.5(COL2A1):c.2675C>T (p.Pro892Leu)

Gene: COL2A1 (collagen type II alpha 1 chain; minus strand). Cytogenetic location: 12q13.11.
Variant type: single nucleotide variant.
Coding change: c.2675C>T on transcript NM_001844.5 (MANE Select); coding-DNA position 2675, C replaced by T.
Protein change: p.Pro892Leu; replaces proline 892 with leucine.
Molecular consequence: missense variant.
Genome position (GRCh38, 1-based): chr12:47,980,013, G>A on the plus strand (C>T on the coding strand, the complement: COL2A1 is on the minus strand). VCF-style: chr12-47980013-G-A. GRCh37 (hg19) VCF-style: chr12-48373796-G-A.
Other names: c.2468C>T, p.Pro823Leu (NM_033150.3); short protein forms P892L, P823L.
Identifiers: ClinVar variation 1368200 (VCV001368200.6), dbSNP rs1160269578, ClinGen allele CA384544165.